The following is an entry in ClinVar:

ClinVar aggregate classification (germline): Likely benign (1 of 4 stars; one submission).

Conditions:
Retinitis pigmentosa (RP). Identifiers: Orphanet 791, MedGen C0035334, MeSH D012174, MONDO:0019200, OMIM 268000. Inheritance: Autosomal dominant, autosomal recessive and X linked inheritance.

Allele frequency attached by ClinVar (database versions not stated): gnomAD 0.00014 and 0.00020; gnomAD exomes 0.00033; TOPMed 0.00037; 1000 Genomes Project 30x 0.00109; 1000 Genomes Project 0.00120.
gnomAD v4.1: 92 of 351,724 alleles (0.026%); highest among the groups gnomAD compares: East Asian, 0.64%; no homozygotes.

Submission:

Illumina Laboratory Services, Illumina
Classification: Likely benign for Retinitis pigmentosa. Last evaluated: 2018-01-12. Review status: criteria provided, single submitter. Criteria: ICSL Variant Classification Criteria 13 December 2019. Collection method: clinical testing. Allele origin: germline.
Comment: This variant was observed in the ICSL laboratory as part of a predisposition screen in an ostensibly healthy population. It had not been previously curated by ICSL or reported in the Human Gene Mutation Database (HGMD: prior to June 1st, 2018), and was therefore a candidate for classification through an automated scoring system. Utilizing variant allele frequency, disease prevalence and penetrance estimates, and inheritance mode, an automated score was calculated to assess if this variant is too frequent to cause the disease. Based on the score and internal cut-off values, a variant classified as likely benign is not then subjected to further curation. The score for this variant resulted in a classification of likely benign for this disease.

NM_002098.6(GUCA1B):c.*362G>A

Gene: GUCA1B (guanylate cyclase activator 1B; minus strand). Cytogenetic location: 6p21.1.
Variant type: single nucleotide variant.
Coding change: c.*362G>A on transcript NM_002098.6 (MANE Select); 362 bases downstream of the stop codon, G replaced by A.
Molecular consequence: 3 prime UTR variant.
Genome position (GRCh38, 1-based): chr6:42,184,453, C>T on the plus strand (G>A on the coding strand, the complement: GUCA1B is on the minus strand). VCF-style: chr6-42184453-C-T. GRCh37 (hg19) VCF-style: chr6-42152191-C-T.
Identifiers: ClinVar variation 910191 (VCV000910191.4), dbSNP rs186489645, ClinGen allele CA138139589.